The following is an entry in ClinVar:

ClinVar aggregate classification (germline): Likely pathogenic (1 of 4 stars; one submission).

Submission:

CeGaT Center for Human Genetics Tuebingen
Classification: Likely pathogenic. Last evaluated: 2025-03-01. Review status: criteria provided, single submitter. Criteria: CeGaT Center For Human Genetics Tuebingen Variant Classification Criteria Version 2. Collection method: clinical testing. Allele origin: germline. Affected: yes. Observed: 2 variant alleles.
Comment: RYR1: PM2, PM3, PP3, PP4

NM_000540.3(RYR1):c.6739C>G (p.Gln2247Glu)

Gene: RYR1 (ryanodine receptor 1; plus strand). Cytogenetic location: 19q13.2.
Variant type: single nucleotide variant.
Coding change: c.6739C>G on transcript NM_000540.3 (MANE Select); coding-DNA position 6739, C replaced by G.
Protein change: p.Gln2247Glu; replaces glutamine 2247 with glutamic acid.
Molecular consequence: missense variant.
Genome position (GRCh38, 1-based): chr19:38,496,484, C>G. VCF-style: chr19-38496484-C-G. GRCh37 (hg19) VCF-style: chr19-38987124-C-G.
Other names: c.6739C>G, p.Gln2247Glu (NM_001042723.2); short protein forms Q2247E.
Identifiers: ClinVar variation 3341993 (VCV003341993.16).